The following is an entry in ClinVar:

NM_182641.4(BPTF):c.291C>G (p.Gly97=)

Gene: BPTF (bromodomain PHD finger transcription factor; plus strand). Cytogenetic location: 17q24.2.
Variant type: single nucleotide variant.
Coding change: c.291C>G on transcript NM_182641.4 (MANE Select); coding-DNA position 291, C replaced by G.
Protein change: p.Gly97=; no amino-acid change (glycine 97 retained).
Molecular consequence: synonymous variant.
Genome position (GRCh38, 1-based): chr17:67,826,015, C>G. VCF-style: chr17-67826015-C-G. GRCh37 (hg19) VCF-style: chr17-65822131-C-G.
Other names: c.291C>G, p.Gly97= (NM_004459.7).
Identifiers: ClinVar variation 1879381 (VCV001879381.29), dbSNP rs1004905807, ClinGen allele CA293236571.

ClinVar aggregate classification (germline): Likely benign (1 of 4 stars; one submission).

Submission:

CeGaT Center for Human Genetics Tuebingen
Classification: Likely benign. Last evaluated: 2022-11-01. Review status: criteria provided, single submitter. Criteria: CeGaT Center For Human Genetics Tuebingen Variant Classification Criteria Version 2. Collection method: clinical testing. Allele origin: germline. Affected: yes. Observed: 3 variant alleles.
Comment: BPTF: BP4, BP7